The following is an entry in ClinVar:

NC_012920.1(MT-TK):m.8340_8341insT

Gene: MT-TK (mitochondrially encoded tRNA lysine; plus strand).
Variant type: Insertion.
Genome position: chrM-8340-G-GT.
Identifiers: ClinVar variation 690074 (VCV000690074.1), dbSNP rs1603221409, ClinGen allele CA915952047.

ClinVar aggregate classification (germline): Uncertain significance (1 of 4 stars; one submission).

Conditions:
MELAS syndrome (MELAS). Also called: Juvenile myopathy, encephalopathy, lactic acidosis, stroke. Identifiers: Orphanet 550, MedGen C0162671, MONDO:0010789, OMIM 540000.

Submission:

Wong Mito Lab, Molecular and Human Genetics, Baylor College of Medicine
Classification: Uncertain significance for MELAS syndrome. Last evaluated: 2019-07-12. Review status: criteria provided, single submitter. Criteria: Modified ACMG Guidelines (Unpublished). Collection method: clinical testing. Allele origin: germline.
Comment: The NC_012920.1:m.8340_8341insT variant in MT-TK gene is interpreted to be a Unknown Significance variant based on the modified ACMG guidelines (unpublished). This variant meets the following evidence codes reported in the guidelines: BP6, PP7

Literature cited by the submitters: PubMed 31965079.